The following is an entry in ClinVar:

ClinVar aggregate classification (germline): Uncertain significance (1 of 4 stars; one submission).

Allele frequency attached by ClinVar (database versions not stated): gnomAD exomes below 0.00001; ExAC 0.00001; gnomAD 0.00002; TOPMed 0.00002.

Submission:

Labcorp Genetics (formerly Invitae), Labcorp
Classification: Uncertain significance. Last evaluated: 2022-09-24. Review status: criteria provided, single submitter. Criteria: Invitae Variant Classification Sherloc (09022015). Collection method: clinical testing. Allele origin: germline.
Comment: In summary, the available evidence is currently insufficient to determine the role of this variant in disease. Therefore, it has been classified as a Variant of Uncertain Significance. Algorithms developed to predict the effect of missense changes on protein structure and function are either unavailable or do not agree on the potential impact of this missense change (SIFT: "Tolerated"; PolyPhen-2: "Possibly Damaging"; Align-GVGD: "Class C0"). This variant has not been reported in the literature in individuals affected with GATA5-related conditions. The frequency data for this variant in the population databases is considered unreliable, as metrics indicate poor data quality at this position in the gnomAD database. This sequence change replaces proline, which is neutral and non-polar, with serine, which is neutral and polar, at codon 366 of the GATA5 protein (p.Pro366Ser).

NM_080473.5(GATA5):c.1096C>T (p.Pro366Ser)

Gene: GATA5 (GATA binding protein 5; minus strand). Cytogenetic location: 20q13.33.
Variant type: single nucleotide variant.
Coding change: c.1096C>T on transcript NM_080473.5 (MANE Select); coding-DNA position 1096, C replaced by T.
Protein change: p.Pro366Ser; replaces proline 366 with serine.
Molecular consequence: missense variant.
Genome position (GRCh38, 1-based): chr20:62,464,934, G>A on the plus strand (C>T on the coding strand, the complement: GATA5 is on the minus strand). VCF-style: chr20-62464934-G-A. GRCh37 (hg19) VCF-style: chr20-61039990-G-A.
Other names: short protein forms P366S.
Identifiers: ClinVar variation 2007891 (VCV002007891.4), dbSNP rs781983621, ClinGen allele CA9946036.
Genomic context (GRCh38, chr20:62,464,934, plus strand): 5'-GAGCCCCCCTGAGGCCAGCCTGGGGGCTTGGGGCCGTGGAGGGGAAGGCAAAGTCCTCAG[G>A]CTCGAACTTGAACTCCAAGTGGCCGGGGGCAAGAGAGTCATCCTCCTGGCCAGAGGCCTG-3'
Protein context (NP_536721.1, residues 356-376): APGHLEFKFE[Pro366Ser]EDFAFPSTAP